The following is an entry in ClinVar:

NM_001191055.2(ERVV-2):c.180T>A (p.Ile60=)

Gene: ERVV-2 (endogenous retrovirus group V member 2, envelope; plus strand). Cytogenetic location: 19q13.41.
Variant type: single nucleotide variant.
Coding change: c.180T>A on transcript NM_001191055.2 (MANE Select); coding-DNA position 180, T replaced by A.
Protein change: p.Ile60=; no amino-acid change (isoleucine 60 retained).
Molecular consequence: synonymous variant.
Genome position (GRCh38, 1-based): chr19:53,049,431, T>A. VCF-style: chr19-53049431-T-A. GRCh37 (hg19) VCF-style: chr19-53552684-T-A.
Identifiers: ClinVar variation 3905356 (VCV003905356.10).

ClinVar aggregate classification (germline): Likely benign (1 of 4 stars; one submission).

Submission:

CeGaT Center for Human Genetics Tuebingen
Classification: Likely benign. Last evaluated: 2025-05-01. Review status: criteria provided, single submitter. Criteria: CeGaT Center For Human Genetics Tuebingen Variant Classification Criteria Version 2. Collection method: clinical testing. Allele origin: germline. Affected: yes. Observed: 1 variant allele.
Comment: ERVV-2: PM2:Supporting, BP4, BP7